The following is an entry in ClinVar:

ClinVar aggregate classification (germline): Uncertain significance (1 of 4 stars; one submission).

Conditions:
Hereditary cancer-predisposing syndrome. Also called: Neoplastic Syndromes, Hereditary; Tumor predisposition; Hereditary neoplastic syndrome; Hereditary Cancer Syndrome. Identifiers: Orphanet 140162, MedGen C0027672, MeSH D009386, MONDO:0015356.

Submission:

Ambry Genetics
Classification: Uncertain significance for Hereditary cancer-predisposing syndrome. Last evaluated: 2024-02-07. Review status: criteria provided, single submitter. Criteria: Ambry Variant Classification Scheme 2023. Collection method: clinical testing. Allele origin: germline.
Comment: The p.T1141I variant (also known as c.3422C>T), located in coding exon 24 of the SMARCA4 gene, results from a C to T substitution at nucleotide position 3422. The threonine at codon 1141 is replaced by isoleucine, an amino acid with similar properties. This amino acid position is well conserved in available vertebrate species. In addition, this alteration is predicted to be tolerated by in silico analysis. Based on the available evidence, the clinical significance of this alteration remains unclear.

NM_003072.5(SMARCA4):c.3422C>T (p.Thr1141Ile)

Gene: SMARCA4 (SWI/SNF related BAF chromatin remodeling complex subunit ATPase 4; plus strand). Cytogenetic location: 19p13.2.
Variant type: single nucleotide variant.
Coding change: c.3422C>T on transcript NM_003072.5 (MANE Select); coding-DNA position 3422, C replaced by T.
Protein change: p.Thr1141Ile; replaces threonine 1141 with isoleucine.
Molecular consequence: missense variant. On other transcripts: non-coding transcript variant (1).
Genome position (GRCh38, 1-based): chr19:11,030,769, C>T. VCF-style: chr19-11030769-C-T. GRCh37 (hg19) VCF-style: chr19-11141445-C-T.
Other names: c.3422C>T, p.Thr1141Ile (NM_001128844.3, NM_001128845.2, NM_001128846.2 and 6 more transcripts); short protein forms T1141I.
Identifiers: ClinVar variation 3233105 (VCV003233105.1), dbSNP rs2146598795, ClinGen allele CA404062671.